The following is an entry in ClinVar:

NM_014797.3(ZBTB24):c.334A>G (p.Thr112Ala)

Gene: ZBTB24 (zinc finger and BTB domain containing 24; minus strand). Cytogenetic location: 6q21.
Variant type: single nucleotide variant.
Coding change: c.334A>G on transcript NM_014797.3 (MANE Select); coding-DNA position 334, A replaced by G.
Protein change: p.Thr112Ala; replaces threonine 112 with alanine.
Molecular consequence: missense variant.
Genome position (GRCh38, 1-based): chr6:109,481,693, T>C on the plus strand (A>G on the coding strand, the complement: ZBTB24 is on the minus strand). VCF-style: chr6-109481693-T-C. GRCh37 (hg19) VCF-style: chr6-109802896-T-C.
Other names: c.334A>G, p.Thr112Ala (NM_001164313.2); short protein forms T112A.
Identifiers: ClinVar variation 647321 (VCV000647321.6), dbSNP rs567279982, ClinGen allele CA3954362.

ClinVar aggregate classification (germline): Uncertain significance. Review status: criteria provided, multiple submitters, no conflicts (2 of 4 stars). 2 submissions from 2 submitters: Uncertain significance (2). Last evaluated 2022-09-01.

Conditions:
Inborn genetic diseases. Identifiers: MedGen C0950123, MeSH D030342.
Immunodeficiency-centromeric instability-facial anomalies syndrome 2 (ICF2). Identifiers: Orphanet 2268, MedGen C3279748, MONDO:0013553, OMIM 614069.

Allele frequency attached by ClinVar (database versions not stated): ExAC 0.00005; TOPMed 0.00005; gnomAD 0.00006; gnomAD exomes 0.00006 and 0.00012.
gnomAD v4.1: 182 of 1,614,096 alleles (0.011%); highest among the groups gnomAD compares: Non-Finnish European, 0.015%; no homozygotes.

Submissions (2):

Labcorp Genetics (formerly Invitae), Labcorp
Classification: Uncertain significance for Immunodeficiency-centromeric instability-facial anomalies syndrome 2. Last evaluated: 2022-09-01. Review status: criteria provided, single submitter. Criteria: Invitae Variant Classification Sherloc (09022015). Collection method: clinical testing. Allele origin: germline.
Comment: This sequence change replaces threonine, which is neutral and polar, with alanine, which is neutral and non-polar, at codon 112 of the ZBTB24 protein (p.Thr112Ala). This variant is present in population databases (rs567279982, gnomAD 0.01%). This variant has not been reported in the literature in individuals affected with ZBTB24-related conditions. ClinVar contains an entry for this variant (Variation ID: 647321). Algorithms developed to predict the effect of missense changes on protein structure and function are either unavailable or do not agree on the potential impact of this missense change (SIFT: "Not Available"; PolyPhen-2: "Possibly Damaging"; Align-GVGD: "Not Available"). In summary, the available evidence is currently insufficient to determine the role of this variant in disease. Therefore, it has been classified as a Variant of Uncertain Significance.

Ambry Genetics
Classification: Uncertain significance for Inborn genetic diseases. Last evaluated: 2022-03-16. Review status: criteria provided, single submitter. Criteria: Ambry Variant Classification Scheme 2023. Collection method: clinical testing. Allele origin: germline.